The following is an entry in ClinVar:

NM_000135.4(FANCA):c.2356G>T (p.Ala786Ser)

Gene: FANCA (FA complementation group A; minus strand). Cytogenetic location: 16q24.3.
Variant type: single nucleotide variant.
Coding change: c.2356G>T on transcript NM_000135.4 (MANE Select); coding-DNA position 2356, G replaced by T.
Protein change: p.Ala786Ser; replaces alanine 786 with serine.
Molecular consequence: missense variant.
Genome position (GRCh38, 1-based): chr16:89,769,985, C>A on the plus strand (G>T on the coding strand, the complement: FANCA is on the minus strand). VCF-style: chr16-89769985-C-A. GRCh37 (hg19) VCF-style: chr16-89836393-C-A.
Other names: c.2356G>T, p.Ala786Ser (NM_001286167.3); short protein forms A786S.
Identifiers: ClinVar variation 2960279 (VCV002960279.4), dbSNP rs868375914, ClinGen allele CA286564548.
Genomic context (GRCh38, chr16:89,769,985, plus strand): 5'-GAGGACCCACATCCACCTCTGGGAGCGCAGACCTGGACTCACCCAGGTGCACGGCCAGGG[C>A]AGCCAACCCCAGCACATGTGGGGCACTCAGGCTCGGGCCCTGCAACGAGAATGAGGGTGG-3'
Protein context (NP_000126.2, residues 776-796): LSAPHVLGLA[Ala786Ser]LAVHLGESRS

ClinVar aggregate classification (germline): Uncertain significance. Review status: criteria provided, multiple submitters, no conflicts (2 of 4 stars). 2 submissions from 2 submitters: Uncertain significance (2). Last evaluated 2025-05-04.

Conditions:
Inborn genetic diseases. Identifiers: MedGen C0950123, MeSH D030342.
Fanconi anemia (FA). Also called: Fanconi's anemia. Identifiers: Orphanet 84, MedGen C0015625, MeSH D005199, MONDO:0019391.

Allele frequency attached by ClinVar (database versions not stated): TOPMed below 0.00001.
gnomAD v4.1: 3 of 1,613,896 alleles (0.00019%); highest among the groups gnomAD compares: African/African-American, 0.0027%; no homozygotes.

Submissions (2):

Ambry Genetics
Classification: Uncertain significance for Inborn genetic diseases. Last evaluated: 2025-05-04. Review status: criteria provided, single submitter. Criteria: Ambry Variant Classification Scheme 2023. Collection method: clinical testing. Allele origin: germline.
Comment: The p.A786S variant (also known as c.2356G>T), located in coding exon 26 of the FANCA gene, results from a G to T substitution at nucleotide position 2356. The alanine at codon 786 is replaced by serine, an amino acid with similar properties. This amino acid position is conserved. In addition, the in silico prediction for this alteration is inconclusive. Based on the available evidence, the clinical significance of this variant remains unclear.

Labcorp Genetics (formerly Invitae), Labcorp
Classification: Uncertain significance for Fanconi anemia. Last evaluated: 2024-05-06. Review status: criteria provided, single submitter. Criteria: Invitae Variant Classification Sherloc (09022015). Collection method: clinical testing. Allele origin: germline.
Comment: This sequence change replaces alanine, which is neutral and non-polar, with serine, which is neutral and polar, at codon 786 of the FANCA protein (p.Ala786Ser). This variant is not present in population databases (gnomAD no frequency). This variant has not been reported in the literature in individuals affected with FANCA-related conditions. Advanced modeling of protein sequence and biophysical properties (such as structural, functional, and spatial information, amino acid conservation, physicochemical variation, residue mobility, and thermodynamic stability) performed at Invitae indicates that this missense variant is expected to disrupt FANCA protein function with a positive predictive value of 80%. In summary, the available evidence is currently insufficient to determine the role of this variant in disease. Therefore, it has been classified as a Variant of Uncertain Significance.